The following is an entry in ClinVar:

ClinVar aggregate classification (germline): Likely benign. Review status: criteria provided, multiple submitters, no conflicts (2 of 4 stars). 3 submissions from 3 submitters: Likely benign (3). Last evaluated 2023-04-01.

Allele frequency attached by ClinVar (database versions not stated): 1000 Genomes Project 0.00379; 1000 Genomes Project 30x 0.00390; TOPMed 0.00620; ESP Exome Variant Server 0.00700.
gnomAD v4.1: 14,485 of 1,614,158 alleles (0.9%); highest among the groups gnomAD compares: Non-Finnish European, 1.1%; 95 homozygotes.

Submissions (3):

CeGaT Center for Human Genetics Tuebingen
Classification: Likely benign. Last evaluated: 2023-04-01. Review status: criteria provided, single submitter. Criteria: CeGaT Center For Human Genetics Tuebingen Variant Classification Criteria Version 2. Collection method: clinical testing. Allele origin: germline. Affected: yes. Observed: 2 variant alleles.
Comment: TNS3: BS2

Labcorp Genetics (formerly Invitae), Labcorp
Classification: Likely benign. Last evaluated: 2019-12-31. Review status: criteria provided, single submitter. Criteria: Invitae Variant Classification Sherloc (09022015). Collection method: clinical testing. Allele origin: germline.

Breakthrough Genomics
Classification: Likely benign. Review status: criteria provided, single submitter. Criteria: ACMG Guidelines, 2015. Collection method: not provided. Allele origin: germline. Inheritance: Unknown mechanism. Affected: yes.

NM_022748.12(TNS3):c.986G>C (p.Arg329Pro)

Gene: TNS3 (tensin 3; minus strand). Cytogenetic location: 7p12.3.
Variant type: single nucleotide variant.
Coding change: c.986G>C on transcript NM_022748.12 (MANE Select); coding-DNA position 986, G replaced by C.
Protein change: p.Arg329Pro; replaces arginine 329 with proline.
Molecular consequence: missense variant.
Genome position (GRCh38, 1-based): chr7:47,396,838, C>G on the plus strand (G>C on the coding strand, the complement: TNS3 is on the minus strand). VCF-style: chr7-47396838-C-G. GRCh37 (hg19) VCF-style: chr7-47436435-C-G.
Other names: short protein forms R329P.
Identifiers: ClinVar variation 779251 (VCV000779251.29), dbSNP rs143025033, ClinGen allele CA4251033.
Genomic context (GRCh38, chr7:47,396,838, plus strand): 5'-CACACAAGATGAACACACGCACCTTCTCCATCTGCACTGAGGTTCTCGTACGAGTCCCAG[C>G]GTATCAGTGGGTCTGTTGTGTTGTAGTCCACAATCACACCGTGGTCGTTGTACAAGTGTT-3'
Protein context (NP_073585.8, residues 319-339): VDYNTTDPLI[Arg329Pro]WDSYENLSAD